The following is an entry in ClinVar:

NM_007126.5(VCP):c.294T>A (p.Asp98Glu)

Gene: VCP (valosin containing protein; minus strand). Cytogenetic location: 9p13.3.
Variant type: single nucleotide variant.
Coding change: c.294T>A on transcript NM_007126.5 (MANE Select); coding-DNA position 294, T replaced by A.
Protein change: p.Asp98Glu; replaces aspartic acid 98 with glutamic acid.
Molecular consequence: missense variant.
Genome position (GRCh38, 1-based): chr9:35,067,899, A>T on the plus strand (T>A on the coding strand, the complement: VCP is on the minus strand). VCF-style: chr9-35067899-A-T. GRCh37 (hg19) VCF-style: chr9-35067896-A-T.
Other names: c.159T>A, p.Asp53Glu (NM_001354927.2, NM_001354928.2); short protein forms D53E, D98E.
Identifiers: ClinVar variation 976025 (VCV000976025.2), dbSNP rs1828864269, ClinGen allele CA373293267.

ClinVar aggregate classification (germline): Likely pathogenic (1 of 4 stars; one submission).

Conditions:
Inclusion body myopathy with Paget disease of bone and frontotemporal dementia type 1. Also called: Inclusion body myopathy with early-onset Paget disease and frontotemporal dementia 1; Inclusion body myopathy with early-onset Paget disease with or without frontotemporal dementia 1; MULTISYSTEM PROTEINOPATHY 1. Identifiers: MedGen C4551951, MONDO:0008178, OMIM 167320.

Submission:

Institute of Human Genetics, University of Leipzig Medical Center
Classification: Likely pathogenic for Inclusion body myopathy with Paget disease of bone and frontotemporal dementia type 1. Last evaluated: 2022-03-29. Review status: criteria provided, single submitter. Criteria: ACMG Guidelines, 2015. Collection method: clinical testing. Allele origin: inherited. Affected: yes.
Comment: _x000D_ Criteria applied: PM1, PM2, PP2, PP3